The following is an entry in ClinVar:

NM_025137.4(SPG11):c.5759G>A (p.Gly1920Glu)

Gene: SPG11 (SPG11 vesicle trafficking associated, spatacsin; minus strand). Cytogenetic location: 15q21.1.
Variant type: single nucleotide variant.
Coding change: c.5759G>A on transcript NM_025137.4 (MANE Select); coding-DNA position 5759, G replaced by A.
Protein change: p.Gly1920Glu; replaces glycine 1920 with glutamic acid.
Molecular consequence: missense variant.
Genome position (GRCh38, 1-based): chr15:44,583,921, C>T on the plus strand (G>A on the coding strand, the complement: SPG11 is on the minus strand). VCF-style: chr15-44583921-C-T. GRCh37 (hg19) VCF-style: chr15-44876119-C-T.
Other names: c.5759G>A, p.Gly1920Glu (NM_001160227.2); short protein forms G1920E.
Identifiers: ClinVar variation 1432003 (VCV001432003.8), dbSNP rs1445593607, ClinGen allele CA392221399.

ClinVar aggregate classification (germline): Uncertain significance (1 of 4 stars; one submission).

Conditions:
Hereditary spastic paraplegia 11. Also called: Spastic Paraplegia 11; Spastic paraplegia, mental retardation and thin corpus callosum; SPASTIC PARAPLEGIA, AUTOSOMAL RECESSIVE, COMPLICATED, WITH THIN CORPUS CALLOSUM; SPASTIC PARAPLEGIA, AUTOSOMAL RECESSIVE, WITH MENTAL IMPAIRMENT AND THIN CORPUS CALLOSUM; Nakamura Osame syndrome; Autosomal recessive hereditary spastic paraplegia, mental impairment, and thin corpus callosum. Identifiers: Orphanet 2822, MedGen C1858479, MONDO:0011445, OMIM 604360.

Submission:

Labcorp Genetics (formerly Invitae), Labcorp
Classification: Uncertain significance for Hereditary spastic paraplegia 11. Last evaluated: 2021-01-12. Review status: criteria provided, single submitter. Criteria: Invitae Variant Classification Sherloc (09022015). Collection method: clinical testing. Allele origin: germline.
Comment: This sequence change replaces glycine with glutamic acid at codon 1920 of the SPG11 protein (p.Gly1920Glu). The glycine residue is highly conserved and there is a moderate physicochemical difference between glycine and glutamic acid. This variant is not present in population databases (ExAC no frequency). This variant has not been reported in the literature in individuals with SPG11-related conditions. Algorithms developed to predict the effect of missense changes on protein structure and function are either unavailable or do not agree on the potential impact of this missense change (SIFT: "Deleterious"; PolyPhen-2: "Possibly Damaging"; Align-GVGD: "Class C15"). In summary, the available evidence is currently insufficient to determine the role of this variant in disease. Therefore, it has been classified as a Variant of Uncertain Significance.